The following is an entry in ClinVar:

NM_001267550.2(TTN):c.80855_80856dup (p.Thr26953Ter)

Genes: TTN (titin; minus strand), TTN-AS1 (TTN antisense RNA 1; plus strand). Cytogenetic location: 2q31.2.
Variant type: Duplication.
Coding change: c.80855_80856dup on transcript NM_001267550.2 (MANE Select); coding-DNA positions 80855 to 80856, 2 bases duplicated (TA; older notation c.80855_80856dupTA).
Protein change: p.Thr26953Ter; replaces threonine 26953 with a stop codon.
Molecular consequence: nonsense.
Genome position (GRCh38, 1-based): chr2:178,565,276-178,565,277, TA duplicated on the plus strand (TA on the coding strand, the reverse complement: TTN is on the minus strand). VCF-style (leftmost placement, unchanged base first): chr2-178565275-T-TTA. GRCh37 (hg19) VCF-style: chr2-179430002-T-TTA.
Other names: c.75932_75933dup, p.Thr25312Ter (NM_001256850.1); c.53660_53661dup, p.Thr17888Ter (NM_003319.4); c.73151_73152dup, p.Thr24385Ter (NM_133378.4); c.54035_54036dup, p.Thr18013Ter (NM_133432.3); c.54236_54237dup, p.Thr18080Ter (NM_133437.4); c.53660_53661dupTA (NM_003319.4); short protein forms T18013*, T26953*, T18080*, T17888*, T24385*, T25312*.
Identifiers: ClinVar variation 1747084 (VCV001747084.2), dbSNP rs2468240887, ClinGen allele CA2580064811.

ClinVar aggregate classification (germline): Likely pathogenic (1 of 4 stars; one submission).

Conditions:
Cardiovascular phenotype. Identifiers: MedGen CN230736.

Submission:

Ambry Genetics
Classification: Likely pathogenic for Cardiovascular phenotype. Last evaluated: 2021-11-15. Review status: criteria provided, single submitter. Criteria: Ambry Variant Classification Scheme 2023. Collection method: clinical testing. Allele origin: germline.
Comment: The c.53660_53661dupTA variant, located in coding exon 153 of the TTN gene, results from a duplication of TA at nucleotide position 53660, causing a translational frameshift with a predicted alternate stop codon (p.T17888*). This exon is located in the A-band region of the N2-B isoform of the titin protein and is constitutively expressed in TTN transcripts (percent spliced in or PSI 100%). This variant is considered to be rare based on population cohorts in the Genome Aggregation Database (gnomAD). This alteration is expected to result in loss of function by premature protein truncation or nonsense-mediated mRNA decay. While truncating variants in TTN are present in 1-3% of the general population, truncating variants in the A-band are the most common cause of dilated cardiomyopathy (DCM) (Herman DS et al. N. Engl. J. Med., 2012 Feb;366:619-28; Roberts AM et al. Sci Transl Med, 2015 Jan;7:270ra6). TTN truncating variants encoded in constitutive exons (PSI >90%) have been found to be significantly associated with DCM regardless of their position in titin (Schafer S et al. Nat. Genet., 2017 01;49:46-53). As such, this alteration is classified as likely pathogenic.